The following is an entry in ClinVar:

NM_182961.4(SYNE1):c.3211C>T (p.His1071Tyr)

Gene: SYNE1 (spectrin repeat containing nuclear envelope protein 1; minus strand). Cytogenetic location: 6q25.2.
Variant type: single nucleotide variant.
Coding change: c.3211C>T on transcript NM_182961.4 (MANE Select); coding-DNA position 3211, C replaced by T.
Protein change: p.His1071Tyr; replaces histidine 1071 with tyrosine.
Molecular consequence: missense variant.
Genome position (GRCh38, 1-based): chr6:152,450,809, G>A on the plus strand (C>T on the coding strand, the complement: SYNE1 is on the minus strand). VCF-style: chr6-152450809-G-A. GRCh37 (hg19) VCF-style: chr6-152771944-G-A.
Other names: c.3232C>T, p.His1078Tyr (NM_033071.5); short protein forms H1071Y, H1078Y.
Identifiers: ClinVar variation 2933158 (VCV002933158.3), dbSNP rs1680638977, ClinGen allele CA366149938.
Genomic context (GRCh38, chr6:152,450,809, plus strand): 5'-GCACTGGGAGTTTCACACAGAGTTCCTCGATGAGCTGTAACCTTTTCTCACAGAGATGAT[G>A]AGGACCTTTGTCACTGAAGAAAACCTAATGTGTAATAAATGTTTTTATAATCCCTGTGAG-3'
Protein context (NP_892006.3, residues 1061-1081): HRVFFSDKGP[His1071Tyr]HLCEKRLQLI

ClinVar aggregate classification (germline): Uncertain significance (1 of 4 stars; one submission).

Conditions:
Emery-Dreifuss muscular dystrophy 4, autosomal dominant (EDMD4). Also called: EMERY-DREIFUSS MUSCULAR DYSTROPHY 4 WITH VARIABLE FEATURES. Identifiers: Orphanet 261, MedGen C2751807, MONDO:0013071, OMIM 612998.
Autosomal recessive ataxia, Beauce type. Also called: Spinocerebellar ataxia, autosomal recessive 8; ATAXIA, RECESSIVE, OF BEAUCE; SYNE1-Related Autosomal Recessive Cerebellar Ataxia; SYNE1 Deficiency. Identifiers: Orphanet 88644, MedGen C1853116, MONDO:0012549, OMIM 610743.

Allele frequency attached by ClinVar (database versions not stated): gnomAD 0.00001.
gnomAD v4.1: 3 of 1,613,954 alleles (0.00019%); highest among the groups gnomAD compares: South Asian, 0.0011%; no homozygotes.

Submission:

Labcorp Genetics (formerly Invitae), Labcorp
Classification: Uncertain significance for Emery-Dreifuss muscular dystrophy 4, autosomal dominant; Autosomal recessive ataxia, Beauce type. Last evaluated: 2025-04-30. Review status: criteria provided, single submitter. Criteria: Invitae Variant Classification Sherloc (09022015). Collection method: clinical testing. Allele origin: germline.
Comment: This sequence change replaces histidine, which is basic and polar, with tyrosine, which is neutral and polar, at codon 1078 of the SYNE1 protein (p.His1078Tyr). This variant is not present in population databases (gnomAD no frequency). This variant has not been reported in the literature in individuals affected with SYNE1-related conditions. ClinVar contains an entry for this variant (Variation ID: 2933158). An algorithm developed to predict the effect of missense changes on protein structure and function (PolyPhen-2) suggests that this variant is likely to be tolerated. Algorithms developed to predict the effect of sequence changes on RNA splicing suggest that this variant may create or strengthen a splice site. In summary, the available evidence is currently insufficient to determine the role of this variant in disease. Therefore, it has been classified as a Variant of Uncertain Significance.